The following is an entry in ClinVar:

ClinVar aggregate classification (germline): Uncertain significance. Review status: criteria provided, multiple submitters, no conflicts (2 of 4 stars). 2 submissions from 2 submitters: Uncertain significance (2). Last evaluated 2025-11-17.

Conditions:
Cardiovascular phenotype. Identifiers: MedGen CN230736.
Dilated cardiomyopathy 1JJ (CMD1JJ). Identifiers: Orphanet 154, MedGen C3808935, MONDO:0014095, OMIM 615235.

Allele frequency attached by ClinVar (database versions not stated): gnomAD exomes below 0.00001; gnomAD 0.00001; ExAC 0.00002; 1000 Genomes Project 0.00020; 1000 Genomes Project 30x 0.00031.
gnomAD v4.1: 4 of 1,612,760 alleles (0.00025%); highest among the groups gnomAD compares: African/African-American, 0.0053%; no homozygotes.

Submissions (2):

Labcorp Genetics (formerly Invitae), Labcorp
Classification: Uncertain significance for Dilated cardiomyopathy 1JJ. Last evaluated: 2025-11-17. Review status: criteria provided, single submitter. Criteria: Invitae Variant Classification Sherloc (09022015). Collection method: clinical testing. Allele origin: germline.
Comment: This sequence change replaces serine, which is neutral and polar, with phenylalanine, which is neutral and non-polar, at codon 1656 of the LAMA4 protein (p.Ser1656Phe). This variant is present in population databases (rs200238782, gnomAD 0.01%). This variant has not been reported in the literature in individuals affected with LAMA4-related conditions. ClinVar contains an entry for this variant (Variation ID: 1910924). Invitae Evidence Modeling of protein sequence and biophysical properties (such as structural, functional, and spatial information, amino acid conservation, physicochemical variation, residue mobility, and thermodynamic stability) has been performed for this missense variant. However, the output from this modeling did not meet the statistical confidence thresholds required to predict the impact of this variant on LAMA4 protein function. In summary, the available evidence is currently insufficient to determine the role of this variant in disease. Therefore, it has been classified as a Variant of Uncertain Significance.

Ambry Genetics
Classification: Uncertain significance for Cardiovascular phenotype. Last evaluated: 2025-02-04. Review status: criteria provided, single submitter. Criteria: Ambry Variant Classification Scheme 2023. Collection method: clinical testing. Allele origin: germline.
Comment: The p.S1656F variant (also known as c.4967C>T), located in coding exon 35 of the LAMA4 gene, results from a C to T substitution at nucleotide position 4967. The serine at codon 1656 is replaced by phenylalanine, an amino acid with highly dissimilar properties. This amino acid position is highly conserved in available vertebrate species. In addition, this alteration is predicted to be deleterious by in silico analysis. Based on the available evidence, the clinical significance of this variant remains unclear.

NM_001105206.3(LAMA4):c.4988C>T (p.Ser1663Phe)

Gene: LAMA4 (laminin subunit alpha 4; minus strand). Cytogenetic location: 6q21.
Variant type: single nucleotide variant.
Coding change: c.4988C>T on transcript NM_001105206.3 (MANE Select); coding-DNA position 4988, C replaced by T.
Protein change: p.Ser1663Phe; replaces serine 1663 with phenylalanine.
Molecular consequence: missense variant.
Genome position (GRCh38, 1-based): chr6:112,115,987, G>A on the plus strand (C>T on the coding strand, the complement: LAMA4 is on the minus strand). VCF-style: chr6-112115987-G-A. GRCh37 (hg19) VCF-style: chr6-112437190-G-A.
Other names: c.4967C>T, p.Ser1656Phe (NM_001105207.3, NM_002290.5); short protein forms S1663F, S1656F.
Identifiers: ClinVar variation 1910924 (VCV001910924.6), dbSNP rs200238782, ClinGen allele CA3964840.